The following is an entry in ClinVar:

ClinVar aggregate classification (germline): Uncertain significance (1 of 4 stars; one submission).

Submission:

Labcorp Genetics (formerly Invitae), Labcorp
Classification: Uncertain significance. Last evaluated: 2022-06-20. Review status: criteria provided, single submitter. Criteria: Invitae Variant Classification Sherloc (09022015). Collection method: clinical testing. Allele origin: germline.
Comment: In summary, the available evidence is currently insufficient to determine the role of this variant in disease. Therefore, it has been classified as a Variant of Uncertain Significance. Algorithms developed to predict the effect of missense changes on protein structure and function are either unavailable or do not agree on the potential impact of this missense change (SIFT: "Deleterious"; PolyPhen-2: "Possibly Damaging"; Align-GVGD: "Class C0"). This variant has not been reported in the literature in individuals affected with MUT-related conditions. This variant is not present in population databases (gnomAD no frequency). This sequence change replaces glutamine, which is neutral and polar, with arginine, which is basic and polar, at codon 413 of the MUT protein (p.Gln413Arg).

NM_000255.4(MMUT):c.1238A>G (p.Gln413Arg)

Gene: MMUT (methylmalonyl-CoA mutase; minus strand). Cytogenetic location: 6p12.3.
Variant type: single nucleotide variant.
Coding change: c.1238A>G on transcript NM_000255.4 (MANE Select); coding-DNA position 1238, A replaced by G.
Protein change: p.Gln413Arg; replaces glutamine 413 with arginine.
Molecular consequence: missense variant.
Genome position (GRCh38, 1-based): chr6:49,451,560, T>C on the plus strand (A>G on the coding strand, the complement: MMUT is on the minus strand). VCF-style: chr6-49451560-T-C. GRCh37 (hg19) VCF-style: chr6-49419273-T-C.
Other names: short protein forms Q413R.
Identifiers: ClinVar variation 1951157 (VCV001951157.5), dbSNP rs2481334037, ClinGen allele CA364398823.
Genomic context (GRCh38, chr6:49,451,560, plus strand): 5'-CATTCCATCATGTAAGAACCTCCCCAAGGATCAGCCACTTTGGGAATCCCAGATTCTTCT[T>C]GAATGATGATTTGTGTGTTCCTGGCAATTCGAGCACTTTTCACAGTTGGCAAACCCAAAG-3'
Protein context (NP_000246.2, residues 403-423): RIARNTQIII[Gln413Arg]EESGIPKVAD